The following is an entry in ClinVar:

NM_000265.7(NCF1):c.573C>T (p.Ser191=)

Genes: NCF1 (neutrophil cytosolic factor 1; plus strand), LOC106029312 (Williams-Beuren syndrome medial block B recombination region; plus strand). Cytogenetic location: 7q11.23.
Variant type: single nucleotide variant.
Coding change: c.573C>T on transcript NM_000265.7 (MANE Select); coding-DNA position 573, C replaced by T.
Protein change: p.Ser191=; no amino-acid change (serine 191 retained).
Molecular consequence: synonymous variant.
Genome position (GRCh38, 1-based): chr7:74,783,060, C>T. VCF-style: chr7-74783060-C-T. GRCh37 (hg19) VCF-style: chr7-74197403-C-T.
Identifiers: ClinVar variation 3770898 (VCV003770898.13).
Genomic context (GRCh38, chr7:74,783,060, plus strand): 5'-GGGCTCCGAGATGGCTCTGTCCACGGGGGACGTGGTGGAGGTCGTAGAGAAGAGCGAGAG[C>T]GGTCAGACCTCCCACCTTACGGGGCTCCTTCCCCTGGTGCTCAGGAACCCACAGCCACAA-3'
Protein context (NP_000256.4, residues 181-201): DVVEVVEKSE[Ser191=]GWWFCQMKAK

ClinVar aggregate classification (germline): Likely benign (1 of 4 stars; one submission).

gnomAD v4.1: 338 of 1,611,310 alleles (0.021%); highest among the groups gnomAD compares: Middle Eastern, 0.11%; no homozygotes.

Submission:

CeGaT Center for Human Genetics Tuebingen
Classification: Likely benign. Last evaluated: 2025-01-01. Review status: criteria provided, single submitter. Criteria: CeGaT Center For Human Genetics Tuebingen Variant Classification Criteria Version 2. Collection method: clinical testing. Allele origin: germline. Affected: yes. Observed: 1 variant allele.
Comment: NCF1: BP4